The following is an entry in ClinVar:

ClinVar aggregate classification (germline): Uncertain significance (1 of 4 stars; one submission).

gnomAD v4.1: 2 of 1,613,772 alleles (0.00012%); no homozygotes.

Submission:

Greenwood Genetic Center Diagnostic Laboratories, Greenwood Genetic Center
Classification: Uncertain significance. Last evaluated: 2023-07-19. Review status: criteria provided, single submitter. Criteria: ACMG Guidelines, 2015. Collection method: clinical testing. Allele origin: germline. Affected: yes.
Comment: PM2, PP2, PP3

NM_006045.3(ATP9A):c.503G>C (p.Arg168Pro)

Gene: ATP9A (ATPase phospholipid transporting 9A (putative); minus strand). Cytogenetic location: 20q13.2.
Variant type: single nucleotide variant.
Coding change: c.503G>C on transcript NM_006045.3 (MANE Select); coding-DNA position 503, G replaced by C.
Protein change: p.Arg168Pro; replaces arginine 168 with proline.
Molecular consequence: missense variant.
Genome position (GRCh38, 1-based): chr20:51,696,137, C>G on the plus strand (G>C on the coding strand, the complement: ATP9A is on the minus strand). VCF-style: chr20-51696137-C-G. GRCh37 (hg19) VCF-style: chr20-50312676-C-G.
Other names: short protein forms R168P.
Identifiers: ClinVar variation 2626988 (VCV002626988.1), dbSNP rs2515662215, ClinGen allele CA409003798.